The following is an entry in ClinVar:

NM_001145809.2(MYH14):c.3275C>G (p.Ala1092Gly)

Gene: MYH14 (myosin heavy chain 14; plus strand). Cytogenetic location: 19q13.33.
Variant type: single nucleotide variant.
Coding change: c.3275C>G on transcript NM_001145809.2 (MANE Select); coding-DNA position 3275, C replaced by G.
Protein change: p.Ala1092Gly; replaces alanine 1092 with glycine.
Molecular consequence: missense variant.
Genome position (GRCh38, 1-based): chr19:50,271,952, C>G. VCF-style: chr19-50271952-C-G. GRCh37 (hg19) VCF-style: chr19-50775209-C-G.
Other names: c.3176C>G, p.Ala1059Gly (NM_001077186.2); c.3152C>G, p.Ala1051Gly (NM_024729.4); short protein forms A1051G, A1059G, A1092G.
Identifiers: ClinVar variation 4767510 (VCV004767510.1).
Genomic context (GRCh38, chr19:50,271,952, plus strand): 5'-AGGCAGCTGAGGAGGAGGAGAAGGTCAAGAGCCTCAATAAGCTACGGCTCAAATATGAGG[C>G]CACAATCGCAGACATGGAGGGTGAGCTCCCGCCCAGCCAGTAGGGGTCTGTGTGTGCTCT-3'
Protein context (NP_001139281.1, residues 1082-1102): SLNKLRLKYE[Ala1092Gly]TIADMEDRLR

ClinVar aggregate classification (germline): Uncertain significance (1 of 4 stars; one submission).

gnomAD v4.1: 1 of 1,610,392 alleles (0.000062%); highest among the groups gnomAD compares: Non-Finnish European, 0.000085%; no homozygotes.

Submission:

Labcorp Genetics (formerly Invitae), Labcorp
Classification: Uncertain significance. Last evaluated: 2025-09-19. Review status: criteria provided, single submitter. Criteria: Invitae Variant Classification Sherloc (09022015). Collection method: clinical testing. Allele origin: germline.
Comment: This sequence change replaces alanine, which is neutral and non-polar, with glycine, which is neutral and non-polar, at codon 1051 of the MYH14 protein (p.Ala1051Gly). This variant is not present in population databases (gnomAD no frequency). This variant has not been reported in the literature in individuals affected with MYH14-related conditions. Invitae Evidence Modeling of protein sequence and biophysical properties (such as structural, functional, and spatial information, amino acid conservation, physicochemical variation, residue mobility, and thermodynamic stability) indicates that this missense variant is not expected to disrupt MYH14 protein function with a negative predictive value of 80%. In summary, the available evidence is currently insufficient to determine the role of this variant in disease. Therefore, it has been classified as a Variant of Uncertain Significance.